The following is an entry in ClinVar:

ClinVar aggregate classification (germline): Pathogenic (1 of 4 stars; one submission).

Conditions:
Familial thoracic aortic aneurysm and aortic dissection (TAAD). Also called: Thoracic aortic aneurysms and dissections. Identifiers: Orphanet 91387, MedGen C4707243, MONDO:0019625.
Marfan syndrome (MFS). Also called: FBN1-Related Marfan Syndrome; Marfan syndrome type 1; Marfan's syndrome; Marfan syndrome, classic; MARFAN SYNDROME, TYPE I. Identifiers: Orphanet 284963, Orphanet 558, MedGen C0024796, MONDO:0007947, OMIM 154700.

Submission:

Labcorp Genetics (formerly Invitae), Labcorp
Classification: Pathogenic for Marfan syndrome; Familial thoracic aortic aneurysm and aortic dissection. Last evaluated: 2018-06-11. Review status: criteria provided, single submitter. Criteria: Invitae Variant Classification Sherloc (09022015). Collection method: clinical testing. Allele origin: germline.
Comment: This sequence change creates a premature translational stop signal (p.Tyr1873Ilefs*20) in the FBN1 gene. It is expected to result in an absent or disrupted protein product. This variant is not present in population databases (ExAC no frequency). For these reasons, this variant has been classified as Pathogenic. This variant has been observed in an individual affected with Marfan syndrome (PMID: 14695540). Loss-of-function variants in FBN1 are known to be pathogenic (PMID: 17657824, 19293843).

Literature cited by the submitters: PubMed 14695540; PubMed 17657824; PubMed 19293843.

NM_000138.5(FBN1):c.5613del (p.Tyr1873fs)

Gene: FBN1 (fibrillin 1; minus strand). Cytogenetic location: 15q21.1.
Variant type: Deletion.
Coding change: c.5613del on transcript NM_000138.5 (MANE Select); coding-DNA position 5613, one base deleted (C; older notation c.5613delC).
Protein change: p.Tyr1873fs; shifts the reading frame from tyrosine 1873.
Molecular consequence: frameshift variant.
Genome position (GRCh38, 1-based): chr15:48,448,826, G deleted on the plus strand (C on the coding strand, the reverse complement: FBN1 is on the minus strand). VCF-style (leftmost placement, unchanged base first): chr15-48448825-AG-A. GRCh37 (hg19) VCF-style: chr15-48741022-AG-A.
Other names: c.5613delC (NM_000138.4); short protein forms Y1873fs.
Identifiers: ClinVar variation 582223 (VCV000582223.8), dbSNP rs1566899541, ClinGen allele CA891844491.
Genomic context (GRCh38, chr15:48,448,825, plus strand): 5'-TACCCAAGCACATGGTTTGGTCATCATTTGTTTTAAAACCAGTGTGGCAAAGGCAATAAA[AG>A]CTTCCAACTGTGTCAATGCACTGCCCATGACTGCATATATTGGGGATTTCTTGACATTCA-3'